The following is an entry in ClinVar:

NM_001171.6(ABCC6):c.3971G>A (p.Trp1324Ter)

Gene: ABCC6 (ATP binding cassette subfamily C member 6; minus strand). Cytogenetic location: 16p13.11.
Variant type: single nucleotide variant.
Coding change: c.3971G>A on transcript NM_001171.6 (MANE Select); coding-DNA position 3971, G replaced by A.
Protein change: p.Trp1324Ter; replaces tryptophan 1324 with a stop codon.
Molecular consequence: nonsense. On other transcripts: non-coding transcript variant (1).
Genome position (GRCh38, 1-based): chr16:16,154,943, C>T on the plus strand (G>A on the coding strand, the complement: ABCC6 is on the minus strand). VCF-style: chr16-16154943-C-T. GRCh37 (hg19) VCF-style: chr16-16248800-C-T.
Other names: c.3629G>A, p.Trp1210Ter (NM_001351800.1); short protein forms W1324*, W1210*.
Identifiers: ClinVar variation 433339 (VCV000433339.11), dbSNP rs72653750, ClinGen allele CA278625482.

ClinVar aggregate classification (germline): Pathogenic. Review status: criteria provided, multiple submitters, no conflicts (2 of 4 stars). 4 submissions from 4 submitters: Pathogenic (3). 1 of the submissions does not count toward it. Last evaluated 2026-08-06.

Conditions:
Pseudoxanthoma elasticum, forme fruste. Also called: PSEUDOXANTHOMA ELASTICUM, HETEROZYGOUS; Pseudoxanthoma Elasticum, Incomplete. Identifiers: Orphanet 758, MedGen C1867450, MONDO:0008333, OMIM 177850.
Autosomal recessive inherited pseudoxanthoma elasticum (PXE). Identifiers: Orphanet 758, MedGen CN032334, MONDO:0009925, OMIM 264800.

Allele frequency attached by ClinVar (database versions not stated): gnomAD exomes below 0.00001; gnomAD 0.00001; TOPMed 0.00001.
gnomAD v4.1: 2 of 1,595,686 alleles (0.00013%); highest among the groups gnomAD compares: Admixed American, 0.0035%; no homozygotes.

Submissions (4):

OLLIN Analises Genomicas, OLLIN
Classification: Pathogenic for Pseudoxanthoma elasticum, forme fruste. Last evaluated: 2026-08-06. Review status: criteria provided, single submitter. Criteria: ACMG Guidelines 2015 PMID 25741868. Collection method: clinical testing. Allele origin: germline. Inheritance: Autosomal recessive inheritance.
Comment: This nonsense variant, located in exon 28 (of 31), has been reported in ClinVar (accession VCV000433339.10), in gnomAD with an allele frequency of 0.00013%, and in the scientific literature in individuals with ABCC6 related disorders (PMID: 23572048). This variant introduces a premature stop codon, which is predicted to result in either a truncated protein or degradation of the mRNA via nonsense-mediated decay (NMD). According to the currently available evidence, this variant has been classified as pathogenic (PVS1, PS4_P, PM2_P).

Labcorp Genetics (formerly Invitae), Labcorp
Classification: Pathogenic. Last evaluated: 2025-09-03. Review status: criteria provided, single submitter. Criteria: Invitae Variant Classification Sherloc (09022015). Collection method: clinical testing. Allele origin: germline.
Comment: This sequence change creates a premature translational stop signal (p.Trp1324*) in the ABCC6 gene. It is expected to result in an absent or disrupted protein product. Loss-of-function variants in ABCC6 are known to be pathogenic (PMID: 11536079, 17617515). This variant is not present in population databases (gnomAD no frequency). This premature translational stop signal has been observed in individual(s) with clinical features of pseudoxanthoma elasticum (PMID: 23572048). This variant is also known as W1324X. ClinVar contains an entry for this variant (Variation ID: 433339). Algorithms developed to predict the effect of sequence changes on RNA splicing suggest that this variant may disrupt the consensus splice site. For these reasons, this variant has been classified as Pathogenic.

Dasa
Classification: Pathogenic for Pseudoxanthoma elasticum, forme fruste. Last evaluated: 2022-11-03. Review status: criteria provided, single submitter. Criteria: ACMG Guidelines, 2015. Collection method: clinical testing. Allele origin: germline. Observed: 1 variant allele.
Comment: The c.3971G>A;p.Trp1324* variant creates a premature translational stop signal in the ABCC6 gene. It is expected to result in an absent or disrupted protein product - PVS1. This sequence change has been observed in affected individual(s) and ClinVar contains an entry for this variant (ClinVar ID: 433339; PMID: 23572048) - PS4_supporting. The variant is present at low allele frequencies population databases (rs72653750 – gnomAD 0.00006575%; ABraOM 0.000854 frequency) - PM2_supporting. In summary, the currently available evidence indicates that the variant is pathogenic.

PXE International
Classification: Likely pathogenic for Autosomal recessive inherited pseudoxanthoma elasticum. Last evaluated: 2021-03-02. Review status: no assertion criteria provided. Collection method: research. Allele origin: germline. Inheritance: Autosomal recessive inheritance. Affected: yes. Observed: 1 variant allele. Not counted in ClinVar's aggregate classification.

Literature cited by the submitters: PubMed 23572048 (cited by 3 submitters); PubMed 11536079 (cited by Labcorp Genetics (formerly Invitae), Labcorp); PubMed 17617515 (cited by Labcorp Genetics (formerly Invitae), Labcorp).